The following is an entry in ClinVar:

ClinVar aggregate classification (germline): Conflicting classifications of pathogenicity. Review status: criteria provided, conflicting classifications (1 of 4 stars). 12 submissions from 12 submitters: Uncertain significance (6); Likely benign (5). 1 of the submissions does not count toward it. Last evaluated 2026-09-01.

Conditions:
ACTN2-related disorder. Also called: ACTN2-related disorders; ACTN2 related condition.
Cardiomyopathy, familial hypertrophic, 23, with or without ventricular noncompaction. Also called: Cardiomyopathy, hypertrophic, 23, with or without LVNC; Familial hypertrophic cardiomyopathy 23. Identifiers: MedGen C4225649, MONDO:0800347.
Cardiovascular phenotype. Identifiers: MedGen CN230736.
Cardiomyopathy (CMYO). Also called: Cardiomyopathies. Identifiers: Orphanet 167848, MedGen C0878544, MONDO:0004994, HP:0001638. Inheritance: Various modes of inheritance.
Dilated cardiomyopathy 1AA (CMD1AA). Also called: Cardiomyopathy, dilated, 1AA, with or without LVNC; CARDIOMYOPATHY, DILATED, 1AA, WITH OR WITHOUT LEFT VENTRICULAR NONCOMPACTION; CARDIOMYOPATHY, FAMILIAL HYPERTROPHIC, 23, WITH OR WITHOUT LEFT VENTRICULAR NONCOMPACTION. Identifiers: Orphanet 154, MedGen C2677338, MONDO:0012808, OMIM 612158.
Primary familial hypertrophic cardiomyopathy (HCM). Identifiers: Orphanet 99739, MedGen C0949658, MeSH D024741, MONDO:0024573. Inheritance: Various modes of inheritance.
Hypertrophic cardiomyopathy. Also called: HYPERTROPHIC MYOCARDIOPATHY. Identifiers: Orphanet 217569, MedGen C0007194, MeSH D002312, MONDO:0005045, HP:0001639.

Allele frequency attached by ClinVar (database versions not stated): gnomAD exomes 0.00028 and 0.00046; ExAC 0.00022; gnomAD 0.00027 and 0.00025; ESP Exome Variant Server 0.00008; TOPMed 0.00019.
gnomAD v4.1: 701 of 1,613,916 alleles (0.043%); highest among the groups gnomAD compares: Non-Finnish European, 0.055%; 1 homozygote.

Submissions (12):

CeGaT Center for Human Genetics Tuebingen
Classification: Likely benign. Last evaluated: 2026-09-01. Review status: criteria provided, single submitter. Criteria: CeGaT Center For Human Genetics Tuebingen Variant Classification Criteria Version 2. Collection method: clinical testing. Allele origin: germline. Affected: yes. Observed: 1 variant allele.
Comment: ACTN2: BS2

Labcorp Genetics (formerly Invitae), Labcorp
Classification: Likely benign for Primary familial hypertrophic cardiomyopathy; Dilated cardiomyopathy 1AA. Last evaluated: 2026-01-10. Review status: criteria provided, single submitter. Criteria: Invitae Variant Classification Sherloc (09022015). Collection method: clinical testing. Allele origin: germline.

Ambry Genetics
Classification: Uncertain significance for Cardiovascular phenotype. Last evaluated: 2025-11-20. Review status: criteria provided, single submitter. Criteria: Ambry Variant Classification Scheme 2023. Collection method: clinical testing. Allele origin: germline.
Comment: The c.1484C>T (p.T495M) alteration is located in exon 13 (coding exon 13) of the ACTN2 gene. This alteration results from a C to T substitution at nucleotide position 1484, causing the threonine (T) at amino acid position 495 to be replaced by a methionine (M). Based on data from gnomAD, the T allele has an overall frequency of 0.028% (78/282716) total alleles studied. The highest observed frequency was 0.055% (4/7224) of Other alleles. Based on insufficient or conflicting evidence, the clinical significance of this alteration remains unclear.

PreventionGenetics, part of Exact Sciences
Classification: Likely benign for ACTN2-related condition. Last evaluated: 2025-01-27. Review status: criteria provided, single submitter. Criteria: ACMG Guidelines, 2015. Collection method: clinical testing. Allele origin: germline.
Comment: This variant is classified as likely benign based on ACMG/AMP sequence variant interpretation guidelines (Richards et al. 2015 PMID: 25741868, with internal and published modifications).

Blueprint Genetics
Classification: Likely benign. Last evaluated: 2024-11-08. Review status: criteria provided, single submitter. Criteria: ACMG Guidelines, 2015. Collection method: clinical testing. Allele origin: germline.

Revvity Omics, Revvity
Classification: Uncertain significance. Last evaluated: 2024-02-12. Review status: criteria provided, single submitter. Criteria: ACMG Guidelines, 2015. Collection method: clinical testing. Allele origin: germline.

Women's Health and Genetics/Laboratory Corporation of America, LabCorp
Classification: Uncertain significance. Last evaluated: 2022-03-07. Review status: criteria provided, single submitter. Criteria: LabCorp Variant Classification Summary - May 2015. Collection method: clinical testing. Allele origin: germline.
Comment: Variant summary: ACTN2 c.1484C>T (p.Thr495Met) results in a non-conservative amino acid change in the encoded protein sequence. Three of five in-silico tools predict a damaging effect of the variant on protein function. The variant allele was found at a frequency of 0.00028 in 251310 control chromosomes in the gnomAD database, including 1 homozygote. The observed variant frequency is approximately 11 fold of the estimated maximal expected allele frequency for a pathogenic variant in ACTN2 causing Cardiomyopathy phenotype (2.5e-05), strongly suggesting that the variant is benign. c.1484C>T has been reported in the literature in an individual with Z-disk HCM within a cohort previously determined to be negative for mutations in the eight genes associated with myofilament-HCM (example, Theis_2006), in two individuals from a single family reportedly affected by HCM who were only screened for ACTN2 by high melt analysis (example, Chiu_2010), and as a VUS in settings of multigene panel testing in at-least two individuals among DCM cohorts (example, Akinrinade_2015, Verdonschot_2020). These report(s) do not provide unequivocal conclusions about association of the variant with Hypertrophic/Dilated Cardiomyopathy. To our knowledge, no experimental evidence demonstrating an impact on protein function has been reported. Five clinical diagnostic laboratories have submitted clinical-significance assessments for this variant to ClinVar after 2014 without evidence for independent evaluation (VUS, n=4; likely benign, n=1). Based on the evidence outlined above, the variant was classified as VUS-possibly benign.

GeneDx
Classification: Likely benign. Last evaluated: 2021-04-07. Review status: criteria provided, single submitter. Criteria: GeneDx Variant Classification Process June 2021. Collection method: clinical testing. Allele origin: germline. Affected: yes.
Comment: This variant is associated with the following publications: (PMID: 23299917, 24082139, 20022194, 23861362, 26656175, 26312134, 28518168, 17097056, 32880476)

Biesecker Lab/Clinical Genomics Section, National Institutes of Health
Classification: Uncertain significance for Cardiomyopathy, hypertrophic. Last evaluated: 2018-04-05. Review status: criteria provided, single submitter. Criteria: ACMG Guidelines, 2015. Collection method: research. Allele origin: unknown. Affected: no. Observed: 1 variant allele.
Comment: The study set was not selected for affection status in relation to arrhythmia or cardiomyopathy. Pathogenicity categories were based on literature curation. See Pubmed ID:25741868 for details.

Medical sequencing

Laboratory for Molecular Medicine, Mass General Brigham Personalized Medicine
Classification: Uncertain significance. Last evaluated: 2016-06-16. Review status: criteria provided, single submitter. Criteria: LMM Criteria. Collection method: clinical testing. Allele origin: germline. Observed: 4 variant alleles.
Comment: The p.Thr495Met variant in ACTN2 has been reported in at least 3 individuals wit h HCM, segregating with disease in 1 affected relative (Theis 2006, Chiu 2010). This variant has been previously identified by our laboratory in 3 individuals w ith HCM, one of which also carried a pathogenic variant in another gene. In addi tion, the p.Thr495Met variant in ACTN2 did not segregate with disease in two aff ected relatives from one family. This variant has also been identified in 22/651 34 European chromosomes by the Exome Aggregation Consortium (ExAC; dbSNP rs200248944). Computational prediction tools and conser vation analysis suggest that this variant may impact the protein, though this in formation is not predictive enough to determine pathogenicity. In summary, due t o conflicting data, the clinical significance of the p.Thr495Met variant is unce rtain.

CHEO Genetics Diagnostic Laboratory, Children's Hospital of Eastern Ontario
Classification: Uncertain significance for Cardiomyopathy. Last evaluated: 2016-01-15. Review status: criteria provided, single submitter. Criteria: ACMG Guidelines, 2015. Collection method: clinical testing. Allele origin: germline. Study: Canadian Open Genetics Repository.

OMIM
Classification: Pathogenic for CARDIOMYOPATHY, FAMILIAL HYPERTROPHIC, 23. Last evaluated: 2010-03-16. Review status: no assertion criteria provided. Collection method: literature only. Allele origin: germline. Not counted in ClinVar's aggregate classification.

Literature cited by the submitters: PubMed 32880476 (cited by Ambry Genetics and Women's Health and Genetics/Laboratory Corporation of America, LabCorp); PubMed 20022194 (cited by 3 submitters); PubMed 26084686 (cited by Women's Health and Genetics/Laboratory Corporation of America, LabCorp); PubMed 17097056 (cited by 3 submitters); PubMed 23861362 (cited by Laboratory for Molecular Medicine, Mass General Brigham Personalized Medicine); PubMed 23299917 (cited by Laboratory for Molecular Medicine, Mass General Brigham Personalized Medicine); PubMed 24082139 (cited by Laboratory for Molecular Medicine, Mass General Brigham Personalized Medicine).

NM_001103.4(ACTN2):c.1484C>T (p.Thr495Met)

Gene: ACTN2 (actinin alpha 2; plus strand). Cytogenetic location: 1q43.
Variant type: single nucleotide variant.
Coding change: c.1484C>T on transcript NM_001103.4 (MANE Select); coding-DNA position 1484, C replaced by T.
Protein change: p.Thr495Met; replaces threonine 495 with methionine.
Molecular consequence: missense variant.
Genome position (GRCh38, 1-based): chr1:236,747,744, C>T. VCF-style: chr1-236747744-C-T. GRCh37 (hg19) VCF-style: chr1-236911044-C-T.
Other names: c.1484C>T, p.Thr495Met (NM_001278343.2); c.860C>T, p.Thr287Met (NM_001278344.2); short protein forms T495M, T287M.
Identifiers: ClinVar variation 43911 (VCV000043911.29), dbSNP rs200248944, ClinGen allele CA133141.